The following is an entry in ClinVar:

ClinVar aggregate classification (germline): Likely benign. Review status: criteria provided, multiple submitters, no conflicts (2 of 4 stars). 4 submissions from 4 submitters: Likely benign (4). Last evaluated 2024-04-08.

Conditions:
Familial sleep-related hypermotor epilepsy. Also called: Autosomal Dominant Sleep-Related Hypermotor (Hyperkinetic) Epilepsy. Identifiers: Orphanet 98784, MedGen C3696898, MONDO:0000030.
Inborn genetic diseases. Identifiers: MedGen C0950123, MeSH D030342.

Allele frequency attached by ClinVar (database versions not stated): gnomAD 0.00001 and 0.00003; TOPMed 0.00001; ExAC 0.00003; 1000 Genomes Project 30x 0.00016; 1000 Genomes Project 0.00020.

Submissions (4):

Labcorp Genetics (formerly Invitae), Labcorp
Classification: Likely benign. Last evaluated: 2024-04-08. Review status: criteria provided, single submitter. Criteria: Invitae Variant Classification Sherloc (09022015). Collection method: clinical testing. Allele origin: germline.

Blueprint Genetics
Classification: Likely benign. Last evaluated: 2023-04-27. Review status: criteria provided, single submitter. Criteria: ACMG Guidelines, 2015. Collection method: clinical testing. Allele origin: germline.

Ambry Genetics
Classification: Likely benign for Inborn genetic diseases. Last evaluated: 2018-05-01. Review status: criteria provided, single submitter. Criteria: Ambry Variant Classification Scheme 2023. Collection method: clinical testing. Allele origin: germline.

GeneDx
Classification: Likely benign. Last evaluated: 2018-04-13. Review status: criteria provided, single submitter. Criteria: GeneDx Variant Classification (06012015). Collection method: clinical testing. Allele origin: germline. Affected: yes.
Comment: This variant is considered likely benign or benign based on one or more of the following criteria: it is a conservative change, it occurs at a poorly conserved position in the protein, it is predicted to be benign by multiple in silico algorithms, and/or has population frequency not consistent with disease.

NM_000748.3(CHRNB2):c.615C>T (p.Ile205=)

Gene: CHRNB2 (cholinergic receptor nicotinic beta 2 subunit; plus strand). Cytogenetic location: 1q21.3.
Variant type: single nucleotide variant.
Coding change: c.615C>T on transcript NM_000748.3 (MANE Select); coding-DNA position 615, C replaced by T.
Protein change: p.Ile205=; no amino-acid change (isoleucine 205 retained).
Molecular consequence: synonymous variant.
Genome position (GRCh38, 1-based): chr1:154,571,438, C>T. VCF-style: chr1-154571438-C-T. GRCh37 (hg19) VCF-style: chr1-154543914-C-T.
Identifiers: ClinVar variation 681795 (VCV000681795.12), dbSNP rs202243284, ClinGen allele CA1130750.